The following is an entry in ClinVar:

NM_001358530.2(MOCS1):c.124-216A>G

Gene: MOCS1 (molybdenum cofactor synthesis 1; minus strand). Cytogenetic location: 6p21.2.
Variant type: single nucleotide variant.
Coding change: c.124-216A>G on transcript NM_001358530.2 (MANE Select); 216 bases into the intron before coding-DNA position 124, A replaced by G.
Molecular consequence: intron variant. On other transcripts: 5 prime UTR variant (1).
Genome position (GRCh38, 1-based): chr6:39,927,671, T>C on the plus strand (A>G on the coding strand, the complement: MOCS1 is on the minus strand). VCF-style: chr6-39927671-T-C. GRCh37 (hg19) VCF-style: chr6-39895410-T-C.
Other names: c.-93A>G (NM_005943.6); c.-11-1826A>G (NM_001358531.2, NM_001358533.2); c.124-216A>G (NM_001358529.2, NM_001075098.4); c.-138-216A>G (NM_001358534.2).
Identifiers: ClinVar variation 356672 (VCV000356672.9), dbSNP rs3008822, ClinGen allele CA10623871.

ClinVar aggregate classification (germline): Benign. Review status: criteria provided, multiple submitters, no conflicts (2 of 4 stars). 3 submissions from 3 submitters: Benign (3). Last evaluated 2024-07-15.

Conditions:
Sulfite oxidase deficiency due to molybdenum cofactor deficiency type A. Also called: Molybdenum Cofactor Deficiency A; Molybdenum cofactor deficiency, complementation group A. Identifiers: Orphanet 308386, Orphanet 833, MedGen C1854988, MONDO:0009643, OMIM 252150.

Allele frequency attached by ClinVar (database versions not stated): gnomAD 0.50249 and 0.50683; TOPMed 0.51761; 1000 Genomes Project 30x 0.61993; 1000 Genomes Project 0.62340.
gnomAD v4.1: 693,793 of 1,559,796 alleles (44%); highest among the groups gnomAD compares: East Asian, 80%; 161,151 homozygotes.

Submissions (3):

Unidad de Genómica Garrahan, Hospital de Pediatría Garrahan
Classification: Benign. Last evaluated: 2024-07-15. Review status: criteria provided, single submitter. Criteria: ACMG Guidelines, 2015. Collection method: clinical testing. Allele origin: germline. Affected: no. Observed: 63 variant alleles.
Comment: This variant is classified as Benign based on local population frequency. This variant was detected in 68% of patients studied in a panel designed for Epileptic and Developmental Encephalopathy and Progressive Myoclonus Epilepsy. Number of patients: 63. Only high quality variants are reported.

GeneDx
Classification: Benign. Last evaluated: 2021-05-13. Review status: criteria provided, single submitter. Criteria: GeneDx Variant Classification Process June 2021. Collection method: clinical testing. Allele origin: germline. Affected: yes.

Illumina Laboratory Services, Illumina
Classification: Benign for Sulfite oxidase deficiency due to molybdenum cofactor deficiency type A. Last evaluated: 2018-01-12. Review status: criteria provided, single submitter. Criteria: ICSL Variant Classification Criteria 13 December 2019. Collection method: clinical testing. Allele origin: germline.
Comment: This variant was observed in the ICSL laboratory as part of a predisposition screen in an ostensibly healthy population. It had not been previously curated by ICSL or reported in the Human Gene Mutation Database (HGMD: prior to June 1st, 2018), and was therefore a candidate for classification through an automated scoring system. Utilizing variant allele frequency, disease prevalence and penetrance estimates, and inheritance mode, an automated score was calculated to assess if this variant is too frequent to cause the disease. Based on the score and internal cut-off values, a variant classified as benign is not then subjected to further curation. The score for this variant resulted in a classification of benign for this disease.